The following is an entry in ClinVar:

ClinVar aggregate classification (germline): Pathogenic. Review status: reviewed by expert panel (3 of 4 stars). 3 submissions from 3 submitters: Pathogenic (1). 2 of the submissions do not count toward it. Last evaluated 2017-12-15.

Conditions:
Hereditary breast ovarian cancer syndrome. Also called: Hereditary breast and ovarian cancer syndrome (HBOC); BRCA1- and BRCA2-Associated Hereditary Breast and Ovarian Cancer; Hereditary breast and/or ovarian cancer syndrome; Hereditary breast and ovarian cancer syndrome; Hereditary breast and ovarian cancer; Breast and ovarian cancer. Identifiers: Orphanet 145, MedGen C0677776, MeSH D061325, MONDO:0003582. Disease mechanism: loss of function.
Breast-ovarian cancer, familial, susceptibility to, 1 (BROVCA1). Also called: BRCA1 Hereditary Breast and Ovarian Cancer; OVARIAN CANCER, SUSCEPTIBILITY TO. Identifiers: Orphanet 145, MedGen C2676676, MONDO:0011450, OMIM 604370. Disease mechanism: loss of function.

Submissions (3):

Evidence-based Network for the Interpretation of Germline Mutant Alleles (ENIGMA)
Classification: Pathogenic for Breast-ovarian cancer, familial, susceptibility to, 1. Last evaluated: 2017-12-15. Review status: reviewed by expert panel. Criteria: ENIGMA BRCA1/2 Classification Criteria (2017-06-29). Collection method: curation. Allele origin: germline. Study: ENIGMA.
Comment: Variant allele predicted to encode a truncated non-functional protein.

Labcorp Genetics (formerly Invitae), Labcorp
Classification: Pathogenic for Hereditary breast ovarian cancer syndrome. Last evaluated: 2022-12-23. Review status: criteria provided, single submitter. Criteria: Invitae Variant Classification Sherloc (09022015). Collection method: clinical testing. Allele origin: germline. Not counted in ClinVar's aggregate classification.
Comment: This sequence change creates a premature translational stop signal (p.Ser426*) in the BRCA1 gene. It is expected to result in an absent or disrupted protein product. Loss-of-function variants in BRCA1 are known to be pathogenic (PMID: 20104584). This variant is not present in population databases (gnomAD no frequency). This premature translational stop signal has been observed in individual(s) with ovarian cancer (PMID: 30322717). ClinVar contains an entry for this variant (Variation ID: 422431). For these reasons, this variant has been classified as Pathogenic.

GeneDx
Classification: Pathogenic. Last evaluated: 2017-07-31. Review status: criteria provided, single submitter. Criteria: GeneDx Variant Classification (06012015). Collection method: clinical testing. Allele origin: germline. Affected: yes. Not counted in ClinVar's aggregate classification.
Comment: This variant is denoted BRCA1 c.1277delC at the cDNA level and p.Ser426Ter (S426X) at the protein level. The substitution creates a nonsense variant, which changes a Serine to a premature stop codon (TCA>TAG), and is predicted to cause loss of normal protein function through either protein truncation or nonsense-mediated mRNA decay. Using alternate nomenclature, this variant would be defined as BRCA1 1396delC. This variant has not, to our knowledge, been published in the literature as a germline variant; however, it has been reported as a somatic variant in breast cancer (Winter 2016). This variant is considered pathogenic.

Literature cited by the submitters: PubMed 20104584 (cited by Labcorp Genetics (formerly Invitae), Labcorp); PubMed 30322717 (cited by Labcorp Genetics (formerly Invitae), Labcorp).

NM_007294.4(BRCA1):c.1277del (p.Ser425_Ser426insTer)

Gene: BRCA1 (BRCA1 DNA repair associated; minus strand). Cytogenetic location: 17q21.31.
Variant type: Deletion.
Coding change: c.1277del on transcript NM_007294.4 (MANE Select); coding-DNA position 1277, one base deleted (C; older notation c.1277delC).
Protein change: p.Ser425_Ser426insTer.
Molecular consequence: nonsense. On other transcripts: intron variant (137).
Genome position (GRCh38, 1-based): chr17:43,094,254, G deleted on the plus strand (C on the coding strand, the reverse complement: BRCA1 is on the minus strand). VCF-style (leftmost placement, unchanged base first): chr17-43094253-TG-T. GRCh37 (hg19) VCF-style: chr17-41246270-TG-T.
Other names: c.784+490del (NM_001407985.1, NM_001407991.1, NM_001408407.1 and 13 more transcripts); c.548-3222del (NM_001408494.1); c.664+490del (NM_001408444.1, NM_001408438.1, NM_001408430.1 and 12 more transcripts); c.670+1592del (NM_001408423.1, NM_001408420.1, NM_001408419.1 and 2 more transcripts); c.787+490del (NM_001408404.1, NM_001408472.1, NM_001407990.1 and 19 more transcripts); c.577+490del (NM_001408492.1, NM_001408513.1, NM_001408489.1 and 9 more transcripts); c.643+490del (NM_001408468.1, NM_001408465.1, NM_001408463.1 and 3 more transcripts); c.523+490del (NM_001408501.1, NM_001408500.1, NM_001408497.1 and 3 more transcripts); and 40 more.
Identifiers: ClinVar variation 422431 (VCV000422431.7), dbSNP rs1064795775, ClinGen allele CA16620441.